The following is an entry in ClinVar:

NM_022455.5(NSD1):c.7573G>C (p.Asp2525His)

Gene: NSD1 (nuclear receptor binding SET domain protein 1; plus strand). Cytogenetic location: 5q35.3.
Variant type: single nucleotide variant.
Coding change: c.7573G>C on transcript NM_022455.5 (MANE Select); coding-DNA position 7573, G replaced by C.
Protein change: p.Asp2525His; replaces aspartic acid 2525 with histidine.
Molecular consequence: missense variant.
Genome position (GRCh38, 1-based): chr5:177,294,941, G>C. VCF-style: chr5-177294941-G-C. GRCh37 (hg19) VCF-style: chr5-176721942-G-C.
Other names: c.6700G>C, p.Asp2234His (NM_001365684.2, NM_001409308.1, NM_172349.5); c.7573G>C, p.Asp2525His (NM_001409301.1, NM_001409302.1, NM_001409303.1); c.7153G>C, p.Asp2385His (NM_001409304.1); c.6820G>C, p.Asp2274His (NM_001409305.1); c.6811G>C, p.Asp2271His (NM_001409306.1, NM_001409307.1); c.6451G>C, p.Asp2151His (NM_001409309.1); short protein forms D2151H, D2234H, D2271H, D2274H, D2385H, D2525H.
Identifiers: ClinVar variation 2576679 (VCV002576679.1), dbSNP rs1760148839, ClinGen allele CA362333169.

ClinVar aggregate classification (germline): Uncertain significance (1 of 4 stars; one submission).

Allele frequency attached by ClinVar (database versions not stated): gnomAD exomes 0.00001.
gnomAD v4.1: 12 of 1,614,180 alleles (0.00074%); highest among the groups gnomAD compares: Non-Finnish European, 0.001%; no homozygotes.

Submission:

GeneDx
Classification: Uncertain significance. Last evaluated: 2023-02-15. Review status: criteria provided, single submitter. Criteria: GeneDx Variant Classification Process June 2021. Collection method: clinical testing. Allele origin: germline. Affected: yes.
Comment: Not observed at significant frequency in large population cohorts (gnomAD); In silico analysis supports that this missense variant does not alter protein structure/function; Has not been previously published as pathogenic or benign to our knowledge